The following is an entry in ClinVar:

ClinVar aggregate classification (germline): Benign (1 of 4 stars; one submission).

Conditions:
Retinitis pigmentosa (RP). Identifiers: Orphanet 791, MedGen C0035334, MeSH D012174, MONDO:0019200, OMIM 268000. Inheritance: Autosomal dominant, autosomal recessive and X linked inheritance.

Allele frequency attached by ClinVar (database versions not stated): gnomAD 0.01415; TOPMed 0.01637; 1000 Genomes Project 0.01737; 1000 Genomes Project 30x 0.01889.

Submission:

Illumina Laboratory Services, Illumina
Classification: Benign for Retinitis pigmentosa. Last evaluated: 2018-01-13. Review status: criteria provided, single submitter. Criteria: ICSL Variant Classification Criteria 13 December 2019. Collection method: clinical testing. Allele origin: germline.
Comment: This variant was observed in the ICSL laboratory as part of a predisposition screen in an ostensibly healthy population. It had not been previously curated by ICSL or reported in the Human Gene Mutation Database (HGMD: prior to June 1st, 2018), and was therefore a candidate for classification through an automated scoring system. Utilizing variant allele frequency, disease prevalence and penetrance estimates, and inheritance mode, an automated score was calculated to assess if this variant is too frequent to cause the disease. Based on the score and internal cut-off values, a variant classified as benign is not then subjected to further curation. The score for this variant resulted in a classification of benign for this disease.

NM_002098.6(GUCA1B):c.*666G>T

Gene: GUCA1B (guanylate cyclase activator 1B; minus strand). Cytogenetic location: 6p21.1.
Variant type: single nucleotide variant.
Coding change: c.*666G>T on transcript NM_002098.6 (MANE Select); 666 bases downstream of the stop codon, G replaced by T.
Molecular consequence: 3 prime UTR variant.
Genome position (GRCh38, 1-based): chr6:42,184,149, C>A on the plus strand (G>T on the coding strand, the complement: GUCA1B is on the minus strand). VCF-style: chr6-42184149-C-A. GRCh37 (hg19) VCF-style: chr6-42151887-C-A.
Identifiers: ClinVar variation 356713 (VCV000356713.6), dbSNP rs140229339, ClinGen allele CA10626823.